The following is an entry in ClinVar:

NM_002772.3(TMPRSS15):c.1315A>G (p.Ile439Val)

Gene: TMPRSS15 (transmembrane serine protease 15; minus strand). Cytogenetic location: 21q21.1.
Variant type: single nucleotide variant.
Coding change: c.1315A>G on transcript NM_002772.3 (MANE Select); coding-DNA position 1315, A replaced by G.
Protein change: p.Ile439Val; replaces isoleucine 439 with valine.
Molecular consequence: missense variant.
Genome position (GRCh38, 1-based): chr21:18,343,619, T>C on the plus strand (A>G on the coding strand, the complement: TMPRSS15 is on the minus strand). VCF-style: chr21-18343619-T-C. GRCh37 (hg19) VCF-style: chr21-19715936-T-C.
Other names: short protein forms I439V.
Identifiers: ClinVar variation 1972304 (VCV001972304.3), dbSNP rs200413486, ClinGen allele CA9984466.

ClinVar aggregate classification (germline): Uncertain significance. Review status: criteria provided, multiple submitters, no conflicts (2 of 4 stars). 2 submissions from 2 submitters: Uncertain significance (2). Last evaluated 2022-10-26.

Allele frequency attached by ClinVar (database versions not stated): ExAC 0.00001; gnomAD exomes 0.00001.
gnomAD v4.1: 10 of 1,613,730 alleles (0.00062%); highest among the groups gnomAD compares: Middle Eastern, 0.017%; no homozygotes.

Submissions (2):

Ambry Genetics
Classification: Uncertain significance. Last evaluated: 2022-10-26. Review status: criteria provided, single submitter. Criteria: Ambry Variant Classification Scheme 2023. Collection method: clinical testing. Allele origin: germline.

Labcorp Genetics (formerly Invitae), Labcorp
Classification: Uncertain significance. Last evaluated: 2022-10-18. Review status: criteria provided, single submitter. Criteria: Invitae Variant Classification Sherloc (09022015). Collection method: clinical testing. Allele origin: germline.
Comment: This sequence change replaces isoleucine, which is neutral and non-polar, with valine, which is neutral and non-polar, at codon 439 of the TMPRSS15 protein (p.Ile439Val). This variant is present in population databases (rs200413486, gnomAD 0.003%). This variant has not been reported in the literature in individuals affected with TMPRSS15-related conditions. Algorithms developed to predict the effect of missense changes on protein structure and function output the following: SIFT: "Not Available"; PolyPhen-2: "Benign"; Align-GVGD: "Not Available". The valine amino acid residue is found in multiple mammalian species, which suggests that this missense change does not adversely affect protein function. In summary, the available evidence is currently insufficient to determine the role of this variant in disease. Therefore, it has been classified as a Variant of Uncertain Significance.